The following is an entry in ClinVar:

ClinVar aggregate classification (germline): Uncertain significance. Review status: criteria provided, single submitter (1 of 4 stars). 2 submissions from 2 submitters: Uncertain significance (1). 1 of the submissions does not count toward it. Last evaluated 2025-09-08.

Conditions:
ADAMTS10-related disorder. Also called: ADAMTS10-related condition.

Allele frequency attached by ClinVar (database versions not stated): gnomAD exomes 0.00001.
gnomAD v4.1: 4 of 1,417,196 alleles (0.00028%); highest among the groups gnomAD compares: Non-Finnish European, 0.00037%; no homozygotes.

Submissions (2):

Labcorp Genetics (formerly Invitae), Labcorp
Classification: Uncertain significance. Last evaluated: 2025-09-08. Review status: criteria provided, single submitter. Criteria: Invitae Variant Classification Sherloc (09022015). Collection method: clinical testing. Allele origin: germline.
Comment: This sequence change replaces methionine, which is neutral and non-polar, with leucine, which is neutral and non-polar, at codon 995 of the ADAMTS10 protein (p.Met995Leu). This variant is not present in population databases (gnomAD no frequency). This variant has not been reported in the literature in individuals affected with ADAMTS10-related conditions. ClinVar contains an entry for this variant (Variation ID: 2967000). An algorithm developed to predict the effect of missense changes on protein structure and function outputs the following: PolyPhen-2: "Benign". The leucine amino acid residue is found in multiple mammalian species, which suggests that this missense change does not adversely affect protein function. In summary, the available evidence is currently insufficient to determine the role of this variant in disease. Therefore, it has been classified as a Variant of Uncertain Significance.

PreventionGenetics, part of Exact Sciences
Classification: Uncertain significance for ADAMTS10-related condition. Last evaluated: 2024-02-19. Review status: no assertion criteria provided. Collection method: clinical testing. Allele origin: germline. Not counted in ClinVar's aggregate classification.
Comment: The ADAMTS10 c.2983A>T variant is predicted to result in the amino acid substitution p.Met995Leu. To our knowledge, this variant has not been reported in the literature or in a large population database, indicating this variant is rare. At this time, the clinical significance of this variant is uncertain due to the absence of conclusive functional and genetic evidence.

NM_030957.4(ADAMTS10):c.2983A>T (p.Met995Leu)

Gene: ADAMTS10 (ADAM metallopeptidase with thrombospondin type 1 motif 10; minus strand). Cytogenetic location: 19p13.2.
Variant type: single nucleotide variant.
Coding change: c.2983A>T on transcript NM_030957.4 (MANE Select); coding-DNA position 2983, A replaced by T.
Protein change: p.Met995Leu; replaces methionine 995 with leucine.
Molecular consequence: missense variant.
Genome position (GRCh38, 1-based): chr19:8,585,191, T>A on the plus strand (A>T on the coding strand, the complement: ADAMTS10 is on the minus strand). VCF-style: chr19-8585191-T-A. GRCh37 (hg19) VCF-style: chr19-8650075-T-A.
Other names: c.2983A>T (NM_030957.3); c.1444A>T, p.Met482Leu (NM_001282352.2); short protein forms M482L, M995L.
Identifiers: ClinVar variation 2967000 (VCV002967000.5), dbSNP rs1471904858, ClinGen allele CA403748547.